The following is an entry in ClinVar:

ClinVar aggregate classification (germline): Conflicting classifications of pathogenicity. Review status: criteria provided, conflicting classifications (1 of 4 stars). 4 submissions from 4 submitters: Likely pathogenic (2); Uncertain significance (2). Last evaluated 2026-05-01.

Conditions:
Congenital myasthenic syndrome (CMS). Also called: Congenital Myasthenic Syndromes. Identifiers: Orphanet 590, MedGen C0751882, MeSH D020294, MONDO:0018940.
Congenital myasthenic syndrome 4A. Also called: MYASTHENIC SYNDROME, CONGENITAL, 4A, SLOW-CHANNEL, AUTOSOMAL RECESSIVE; Myasthenic syndrome, congenital, 4a, slow-channel; CONGENITAL MYASTHENIC SYNDROME TYPE Ia1. Identifiers: Orphanet 590, MedGen C4225413, MONDO:0011600, OMIM 605809.

Allele frequency attached by ClinVar (database versions not stated): ExAC 0.00001; ESP Exome Variant Server 0.00008.
gnomAD v4.1: 6 of 1,613,814 alleles (0.00037%); highest among the groups gnomAD compares: African/African-American, 0.0013%; 1 homozygote.

Submissions (4):

CeGaT Center for Human Genetics Tuebingen
Classification: Uncertain significance. Last evaluated: 2026-05-01. Review status: criteria provided, single submitter. Criteria: CeGaT Center For Human Genetics Tuebingen Variant Classification Criteria Version 2. Collection method: clinical testing. Allele origin: germline. Affected: yes. Observed: 1 variant allele.
Comment: CHRNE: PM2:Supporting, PM3:Supporting, PP3

Natera, Inc.
Classification: Likely pathogenic for Congenital myasthenic syndrome. Last evaluated: 2026-01-28. Review status: criteria provided, single submitter. Criteria: Natera Variant Classification Schema (03/2026). Collection method: clinical testing. Allele origin: germline.
Comment: The c.905C>T variant in CHRNE is a missense variant predicted to cause substitution of proline to leucine at amino acid 302. This variant is rare in the general population with a frequency below the threshold expected for the associated phenotype(s). This variant has been observed in one or more individuals affected with the associated recessive disease, as either homozygous or compound heterozygous with a second variant (PMID: 37721175). A different variant at the same position has been determined to be Pathogenic or Likely Pathogenic. Computational prediction algorithms indicate this variant is likely to affect gene or protein function. Given the available evidence, this variant is classified as Likely Pathogenic.

Labcorp Genetics (formerly Invitae), Labcorp
Classification: Likely pathogenic for Congenital myasthenic syndrome 4A. Last evaluated: 2024-02-14. Review status: criteria provided, single submitter. Criteria: Invitae Variant Classification Sherloc (09022015). Collection method: clinical testing. Allele origin: germline.
Comment: This sequence change replaces proline, which is neutral and non-polar, with leucine, which is neutral and non-polar, at codon 302 of the CHRNE protein (p.Pro302Leu). This variant is present in population databases (rs370019023, gnomAD 0.0009%). This variant has not been reported in the literature in individuals affected with CHRNE-related conditions. ClinVar contains an entry for this variant (Variation ID: 285424). Advanced modeling of protein sequence and biophysical properties (such as structural, functional, and spatial information, amino acid conservation, physicochemical variation, residue mobility, and thermodynamic stability) performed at Invitae indicates that this missense variant is expected to disrupt CHRNE protein function with a positive predictive value of 95%. This variant disrupts the p.Pro302 amino acid residue in CHRNE. Other variant(s) that disrupt this residue have been determined to be pathogenic (PMID: 22382357; Invitae). This suggests that this residue is clinically significant, and that variants that disrupt this residue are likely to be disease-causing. In summary, the currently available evidence indicates that the variant is pathogenic, but additional data are needed to prove that conclusively. Therefore, this variant has been classified as Likely Pathogenic.

Eurofins Ntd Llc (ga)
Classification: Uncertain significance. Last evaluated: 2015-12-30. Review status: criteria provided, single submitter. Criteria: EGL Classification Definitions 2015. Collection method: clinical testing. Allele origin: germline. Observed: 1 variant allele, 1 heterozygote.

Literature cited by the submitters: PubMed 37721175 (cited by Natera, Inc.); PubMed 22382357 (cited by Labcorp Genetics (formerly Invitae), Labcorp).

NM_000080.4(CHRNE):c.905C>T (p.Pro302Leu)

Genes: C17orf107 (chromosome 17 open reading frame 107; plus strand), CHRNE (cholinergic receptor nicotinic epsilon subunit; minus strand). Cytogenetic location: 17p13.2.
Variant type: single nucleotide variant.
Coding change: c.905C>T on transcript NM_000080.4 (MANE Select); coding-DNA position 905, C replaced by T.
Protein change: p.Pro302Leu; replaces proline 302 with leucine.
Molecular consequence: missense variant. On other transcripts: 3 prime UTR variant (1).
Genome position (GRCh38, 1-based): chr17:4,900,805, G>A on the plus strand (C>T on the coding strand, the complement: CHRNE is on the minus strand). VCF-style: chr17-4900805-G-A. GRCh37 (hg19) VCF-style: chr17-4804100-G-A.
Other names: c.905C>T (NM_000080.3); c.*272G>A (NM_001145536.2); short protein forms P302L.
Identifiers: ClinVar variation 285424 (VCV000285424.15), dbSNP rs370019023, ClinGen allele CA8314212.